The following is an entry in ClinVar:

NM_000092.5(COL4A4):c.2717-15C>A

Gene: COL4A4 (collagen type IV alpha 4 chain; minus strand). Cytogenetic location: 2q36.3.
Variant type: single nucleotide variant.
Coding change: c.2717-15C>A on transcript NM_000092.5 (MANE Select); 15 bases into the intron before coding-DNA position 2717, C replaced by A.
Molecular consequence: intron variant.
Genome position (GRCh38, 1-based): chr2:227,054,752, G>T on the plus strand (C>A on the coding strand, the complement: COL4A4 is on the minus strand). VCF-style: chr2-227054752-G-T. GRCh37 (hg19) VCF-style: chr2-227919468-G-T.
Other names: NC_000002.11:g.227919468G>T.
Identifiers: ClinVar variation 334715 (VCV000334715.10), dbSNP rs143886681, ClinGen allele CA2144733.
Genomic context (GRCh38, chr2:227,054,752, plus strand): 5'-CCTCTTTCTCCGGGAAAACCTGGGAAACCAGGCAGCCCCCGGGGTCCTGGTGAAATGAGA[G>T]CATAAAGTTTTAGGAAAATATTTTATTTGTTATTTATTTTTTCAGGGGTGGGAGGTGGAC-3'

ClinVar aggregate classification (germline): Benign/Likely benign. Review status: criteria provided, multiple submitters, no conflicts (2 of 4 stars). 3 submissions from 3 submitters: Benign (1); Likely benign (2). Last evaluated 2024-11-06.

Conditions:
Alport syndrome. Also called: Hemorrhagic familial nephritis; Hemorrhagic hereditary nephritis; Congenital hereditary hematuria. Identifiers: Orphanet 63, MedGen C1567741, MONDO:0018965.

Allele frequency attached by ClinVar (database versions not stated): gnomAD exomes 0.00016 and 0.00045; ExAC 0.00070; ESP Exome Variant Server 0.00162; gnomAD 0.00188 and 0.00199; TOPMed 0.00224; 1000 Genomes Project 0.00240; 1000 Genomes Project 30x 0.00281.
gnomAD v4.1: 537 of 1,611,786 alleles (0.033%); highest among the groups gnomAD compares: African/African-American, 0.6%; 4 homozygotes.

Submissions (4):

Blueprint Genetics
Classification: Likely benign. Last evaluated: 2024-11-06. Review status: criteria provided, single submitter. Criteria: ACMG Guidelines, 2015. Collection method: clinical testing. Allele origin: germline.

GeneDx
Classification: Benign. Last evaluated: 2020-05-10. Review status: criteria provided, single submitter. Criteria: GeneDx Variant Classification Process June 2021. Collection method: clinical testing. Allele origin: germline. Affected: yes.

Illumina Laboratory Services, Illumina
Classification: Likely benign for Alport syndrome. Last evaluated: 2018-01-13. Review status: criteria provided, single submitter. Criteria: ICSL Variant Classification Criteria 13 December 2019. Collection method: clinical testing. Allele origin: germline.
Comment: This variant was observed in the ICSL laboratory as part of a predisposition screen in an ostensibly healthy population. It had not been previously curated by ICSL or reported in the Human Gene Mutation Database (HGMD: prior to June 1st, 2018), and was therefore a candidate for classification through an automated scoring system. Utilizing variant allele frequency, disease prevalence and penetrance estimates, and inheritance mode, an automated score was calculated to assess if this variant is too frequent to cause the disease. Based on the score and internal cut-off values, a variant classified as likely benign is not then subjected to further curation. The score for this variant resulted in a classification of likely benign for this disease.

Dr. Peter K. Rogan Lab, Western University
No classification provided (evidence only). Condition: Familial pancreatic carcinoma. Review status: no classification provided. Collection method: in vitro. Allele origin: not applicable. Functional consequence: retained intron. Not counted in ClinVar's aggregate classification.